The following is an entry in ClinVar:

ClinVar aggregate classification (germline): Benign. Review status: criteria provided, multiple submitters, no conflicts (2 of 4 stars). 22 submissions from 20 submitters: Benign (15). 7 of the submissions do not count toward it. Last evaluated 2026-02-04.

Conditions:
Cardiovascular phenotype. Identifiers: MedGen CN230736.
Arrhythmogenic right ventricular dysplasia 12. Also called: ARRHYTHMOGENIC RIGHT VENTRICULAR DYSPLASIA, FAMILIAL, 12. Identifiers: MedGen C1969081, MONDO:0012684, OMIM 611528.
Naxos disease (NXD). Also called: KERATOSIS PALMOPLANTARIS WITH ARRHYTHMOGENIC CARDIOMYOPATHY; MAL DE NAXOS; PALMOPLANTAR KERATODERMA WITH ARRHYTHMOGENIC RIGHT VENTRICULAR CARDIOMYOPATHY AND WOOLLY HAIR; WOOLLY HAIR, PALMOPLANTAR KERATODERMA, AND CARDIAC ABNORMALITIES; CARDIOMYOPATHY, ARRHYTHMOGENIC RIGHT VENTRICULAR, WITH SKIN, HAIR, AND NAIL ABNORMALITIES. Identifiers: Orphanet 34217, MedGen C1832600, MONDO:0011017, OMIM 601214.
Cardiomyopathy (CMYO). Also called: Cardiomyopathies. Identifiers: Orphanet 167848, MedGen C0878544, MONDO:0004994, HP:0001638. Inheritance: Various modes of inheritance.

Allele frequency attached by ClinVar (database versions not stated): TOPMed 0.64911; ExAC 0.65924; gnomAD 0.66396 and 0.66611; 1000 Genomes Project 30x 0.58510; 1000 Genomes Project 0.58726; gnomAD exomes 0.64683 and 0.71671; ESP Exome Variant Server 0.69699.
gnomAD v4.1: 1,141,690 of 1,605,478 alleles (71%); highest among the groups gnomAD compares: Non-Finnish European, 75%; 412,210 homozygotes.

Submissions (22):

Labcorp Genetics (formerly Invitae), Labcorp
Classification: Benign for Arrhythmogenic right ventricular dysplasia 12; Naxos disease. Last evaluated: 2026-02-04. Review status: criteria provided, single submitter. Criteria: Invitae Variant Classification Sherloc (09022015). Collection method: clinical testing. Allele origin: germline.

ARUP Laboratories, Molecular Genetics and Genomics, ARUP Laboratories
Classification: Benign. Last evaluated: 2025-07-28. Review status: criteria provided, single submitter. Criteria: ARUP Molecular Germline Variant Investigation Process 2024. Collection method: clinical testing. Allele origin: germline.

Blueprint Genetics
Classification: Benign. Last evaluated: 2024-11-28. Review status: criteria provided, single submitter. Criteria: ACMG Guidelines, 2015. Collection method: clinical testing. Allele origin: germline.

Genome-Nilou Lab
Classification: Benign for Arrhythmogenic right ventricular dysplasia 12. Last evaluated: 2021-08-19. Review status: criteria provided, single submitter. Criteria: ACMG Guidelines, 2015. Collection method: clinical testing. Allele origin: germline. Affected: no.

Genome-Nilou Lab
Classification: Benign for Naxos disease. Last evaluated: 2021-08-19. Review status: criteria provided, single submitter. Criteria: ACMG Guidelines, 2015. Collection method: clinical testing. Allele origin: germline. Affected: no.

Illumina Laboratory Services, Illumina
Classification: Benign for Naxos disease. Last evaluated: 2018-01-12. Review status: criteria provided, single submitter. Criteria: ICSL Variant Classification Criteria 13 December 2019. Collection method: clinical testing. Allele origin: germline.
Comment: This variant was observed in the ICSL laboratory as part of a predisposition screen in an ostensibly healthy population. It had not been previously curated by ICSL or reported in the Human Gene Mutation Database (HGMD: prior to June 1st, 2018), and was therefore a candidate for classification through an automated scoring system. Utilizing variant allele frequency, disease prevalence and penetrance estimates, and inheritance mode, an automated score was calculated to assess if this variant is too frequent to cause the disease. Based on the score and internal cut-off values, a variant classified as benign is not then subjected to further curation. The score for this variant resulted in a classification of benign for this disease.

Illumina Laboratory Services, Illumina
Classification: Benign for Arrhythmogenic right ventricular dysplasia 12. Last evaluated: 2018-01-12. Review status: criteria provided, single submitter. Criteria: ICSL Variant Classification Criteria 13 December 2019. Collection method: clinical testing. Allele origin: germline.
Comment: the same text as in the submission from Illumina Laboratory Services, Illumina above.

Molecular Diagnostic Laboratory for Inherited Cardiovascular Disease, Montreal Heart Institute
Classification: Benign. Last evaluated: 2016-05-16. Review status: criteria provided, single submitter. Criteria: ACMG Guidelines, 2015. Collection method: clinical testing. Allele origin: germline. Affected: yes.

Ambry Genetics
Classification: Benign for Cardiovascular phenotype. Last evaluated: 2015-03-09. Review status: criteria provided, single submitter. Criteria: Ambry Variant Classification Scheme 2023. Collection method: clinical testing. Allele origin: germline.

Mayo Clinic Laboratories, Mayo Clinic
Classification: Benign. Last evaluated: 2014-02-25. Review status: criteria provided, single submitter. Criteria: ACMG Guidelines, 2015. Collection method: clinical testing. Allele origin: germline. Observed: 1,157 variant alleles.

Biesecker Lab/Clinical Genomics Section, National Institutes of Health
Classification: Benign. Last evaluated: 2013-06-24. Review status: criteria provided, single submitter. Criteria: Ng et al. (Circ Cardiovasc Genet. 2013). Collection method: research. Allele origin: unknown. Observed: 716 variant alleles. Study: ClinSeq.
Comment: The study set was not selected for affection status in relation to any cancer. Pathogenicity categories were based on literature curation. See Pubmed ID:23861362 for details.

Medical sequencing

Laboratory for Molecular Medicine, Mass General Brigham Personalized Medicine
Classification: Benign. Last evaluated: 2011-12-01. Review status: criteria provided, single submitter. Criteria: LMM Criteria. Collection method: clinical testing. Allele origin: germline. Observed: 1,629 variant alleles.

GeneDx
Classification: Benign. Last evaluated: 2011-08-08. Review status: criteria provided, single submitter. Criteria: GeneDx Variant Classification (06012015). Collection method: clinical testing. Allele origin: germline. Affected: yes.
Comment: This variant is considered likely benign or benign based on one or more of the following criteria: it is a conservative change, it occurs at a poorly conserved position in the protein, it is predicted to be benign by multiple in silico algorithms, and/or has population frequency not consistent with disease.

Breakthrough Genomics
Classification: Benign. Review status: criteria provided, single submitter. Criteria: ACMG Guidelines, 2015. Collection method: not provided. Allele origin: germline. Inheritance: Autosomal recessive inheritance. Affected: yes.

PreventionGenetics, part of Exact Sciences
Classification: Benign. Review status: criteria provided, single submitter. Criteria: ACMG Guidelines, 2015. Collection method: clinical testing. Allele origin: germline.

Cohesion Phenomics
Classification: Benign for Cardiomyopathy. Last evaluated: 2022-09-23. Review status: no assertion criteria provided. Criteria: ACMG Guidelines, 2015. Collection method: clinical testing. Allele origin: germline. Affected: yes. Not counted in ClinVar's aggregate classification.

Clinical Genetics DNA and cytogenetics Diagnostics Lab, Erasmus MC, Erasmus Medical Center
Classification: Benign. Review status: no assertion criteria provided. Collection method: clinical testing. Allele origin: germline. Affected: yes. Study: VKGL Data-share Consensus. Not counted in ClinVar's aggregate classification.

Clinical Genetics, Academic Medical Center
Classification: Benign. Review status: no assertion criteria provided. Collection method: clinical testing. Allele origin: germline. Affected: yes. Study: VKGL Data-share Consensus. Not counted in ClinVar's aggregate classification.

Diagnostic Laboratory, Department of Genetics, University Medical Center Groningen
Classification: Benign. Review status: no assertion criteria provided. Collection method: clinical testing. Allele origin: germline. Affected: yes. Study: VKGL Data-share Consensus. Not counted in ClinVar's aggregate classification.

GeneReviews
No classification provided. Condition: Arrhythmogenic right ventricular dysplasia 12. Review status: no classification provided. Collection method: literature only. Allele origin: germline. Not counted in ClinVar's aggregate classification.
Comment: c.2089A>T) has been identified as cosegregating with a variant in desmoplakin. [Uzumcu et al 2006]

Genome Diagnostics Laboratory, University Medical Center Utrecht
Classification: Benign. Review status: no assertion criteria provided. Collection method: clinical testing. Allele origin: germline. Affected: yes. Study: VKGL Data-share Consensus. Not counted in ClinVar's aggregate classification.

Joint Genome Diagnostic Labs from Nijmegen and Maastricht, Radboudumc and MUMC+
Classification: Benign. Review status: no assertion criteria provided. Collection method: clinical testing. Allele origin: germline. Affected: yes. Study: VKGL Data-share Consensus. Not counted in ClinVar's aggregate classification.

Literature cited by the submitters: PubMed 19863551 (cited by Laboratory for Molecular Medicine, Mass General Brigham Personalized Medicine); PubMed 16467215 (cited by GeneReviews).

NM_002230.4(JUP):c.2089A>T (p.Met697Leu)

Gene: JUP (junction plakoglobin; minus strand). Cytogenetic location: 17q21.2.
Variant type: single nucleotide variant.
Coding change: c.2089A>T on transcript NM_002230.4 (MANE Select); coding-DNA position 2089, A replaced by T.
Protein change: p.Met697Leu; replaces methionine 697 with leucine.
Molecular consequence: missense variant.
Genome position (GRCh38, 1-based): chr17:41,755,893, T>A on the plus strand (A>T on the coding strand, the complement: JUP is on the minus strand). VCF-style: chr17-41755893-T-A. GRCh37 (hg19) VCF-style: chr17-39912145-T-A.
Other names: p.M697L:ATG>TTG; c.2089A>T, p.Met697Leu (NM_001352773.2, NM_001352774.2, NM_001352775.2 and 3 more transcripts); short protein forms M697L.
Identifiers: ClinVar variation 21304 (VCV000021304.53), dbSNP rs1126821, ClinGen allele CA137178.